The following is an entry in ClinVar:

NM_007294.4(BRCA1):c.135-6T>C

Gene: BRCA1 (BRCA1 DNA repair associated; minus strand). Cytogenetic location: 17q21.31.
Variant type: single nucleotide variant.
Coding change: c.135-6T>C on transcript NM_007294.4 (MANE Select); 6 bases into the intron before coding-DNA position 135, T replaced by C.
Molecular consequence: intron variant.
Genome position (GRCh38, 1-based): chr17:43,106,539, A>G on the plus strand (T>C on the coding strand, the complement: BRCA1 is on the minus strand). VCF-style: chr17-43106539-A-G. GRCh37 (hg19) VCF-style: chr17-41258556-A-G.
Other names: c.-54-6T>C (NM_001407900.1, NM_001407952.1, NM_001407571.1 and 58 more transcripts); c.-7-6T>C (NM_001407841.1, NM_001408462.1, NM_001407724.1 and 99 more transcripts); c.135-1583T>C (NM_001407874.1, NM_001408416.1, NM_001408414.1 and 21 more transcripts); c.135-6T>C (NM_001408450.1, NM_001408434.1, NM_001407672.1 and 167 more transcripts); c.-218-11679T>C (NM_001407967.1, NM_001407966.1); c.-169-1583T>C (NM_001407959.1, NM_001407962.1, NM_001408512.1 and 4 more transcripts); c.81-1583T>C (NM_001408451.1).
Identifiers: ClinVar variation 868206 (VCV000868206.3), dbSNP rs397508859, ClinGen allele CA916080917.

Conditions:
Breast-ovarian cancer, familial, susceptibility to, 1 (BROVCA1). Also called: BRCA1 Hereditary Breast and Ovarian Cancer; OVARIAN CANCER, SUSCEPTIBILITY TO. Identifiers: Orphanet 145, MedGen C2676676, MONDO:0011450, OMIM 604370. Disease mechanism: loss of function.

Submission:

Brotman Baty Institute, University of Washington
No classification provided (evidence only). Condition: Breast-ovarian cancer, familial 1. Review status: no classification provided. Collection method: in vitro. Allele origin: not applicable. Functional consequence: functionally_normal.
ClinVar note: "not provided" was previously submitted as the classification for the variant. However, the classification appeared to be based only on an observation of functional data so it was converted to no classification on 2025-07-30.